The following is an entry in ClinVar:

NM_018418.5(SPATA7):c.364T>A (p.Leu122Ile)

Gene: SPATA7 (spermatogenesis associated 7; plus strand). Cytogenetic location: 14q31.3.
Variant type: single nucleotide variant.
Coding change: c.364T>A on transcript NM_018418.5 (MANE Select); coding-DNA position 364, T replaced by A.
Protein change: p.Leu122Ile; replaces leucine 122 with isoleucine.
Molecular consequence: missense variant.
Genome position (GRCh38, 1-based): chr14:88,416,836, T>A. VCF-style: chr14-88416836-T-A. GRCh37 (hg19) VCF-style: chr14-88883180-T-A.
Other names: c.268T>A, p.Leu90Ile (NM_001040428.4); short protein forms L122I, L90I.
Identifiers: ClinVar variation 197835 (VCV000197835.17), dbSNP rs202230167, ClinGen allele CA246198.
Genomic context (GRCh38, chr14:88,416,836, plus strand): 5'-TTAACTAAAACTGCAATGCGAGCCAATTATAAAAATAATTCCAAGTCACTTTTTAATACC[T>A]TACAAAAGGTAAGATAGTATTTTTATTTTTTAAAAGCAAATGTTTCTAAGGTACTTCTTT-3'
Protein context (NP_060888.2, residues 112-132): KNNSKSLFNT[Leu122Ile]QKPSGEPQIE

ClinVar aggregate classification (germline): Conflicting classifications of pathogenicity. Review status: criteria provided, conflicting classifications (1 of 4 stars). 7 submissions from 6 submitters: Uncertain significance (6); Benign (1). Last evaluated 2026-06-09.

Conditions:
Inborn genetic diseases. Identifiers: MedGen C0950123, MeSH D030342.
SPATA7-related disorder. Also called: SPATA7-related condition; SPATA7-related disorders. Identifiers: MedGen CN239422.
Retinitis pigmentosa (RP). Identifiers: Orphanet 791, MedGen C0035334, MeSH D012174, MONDO:0019200, OMIM 268000. Inheritance: Autosomal dominant, autosomal recessive and X linked inheritance.
Leber congenital amaurosis 3 (LCA3). Also called: SPATA7-Related Retinitis Pigmentosa. Identifiers: MedGen C1858677, MONDO:0011415, OMIM 604232.

Allele frequency attached by ClinVar (database versions not stated): 1000 Genomes Project 0.00020; gnomAD 0.00021; gnomAD exomes 0.00024 and 0.00027; TOPMed 0.00025; 1000 Genomes Project 30x 0.00031; ExAC 0.00041.
gnomAD v4.1: 387 of 1,589,728 alleles (0.024%); highest among the groups gnomAD compares: Non-Finnish European, 0.028%; 2 homozygotes.

Submissions (7):

PreventionGenetics, part of Exact Sciences
Classification: Uncertain significance for SPATA7-related condition. Last evaluated: 2026-06-09. Review status: criteria provided, single submitter. Criteria: ACMG Guidelines, 2015. Collection method: clinical testing. Allele origin: germline.
Comment: The SPATA7 c.364T>A variant is predicted to result in the amino acid substitution p.Leu122Ile. To our knowledge, this variant has not been reported in the literature. This variant is reported in 0.045% of alleles in individuals of European (Non-Finnish) descent in gnomAD. At this time, the clinical significance of this variant is uncertain due to the absence of conclusive functional and genetic evidence.

Blueprint Genetics
Classification: Benign. Last evaluated: 2024-11-26. Review status: criteria provided, single submitter. Criteria: ACMG Guidelines, 2015. Collection method: clinical testing. Allele origin: germline.

Labcorp Genetics (formerly Invitae), Labcorp
Classification: Uncertain significance for Leber congenital amaurosis 3. Last evaluated: 2024-01-19. Review status: criteria provided, single submitter. Criteria: Invitae Variant Classification Sherloc (09022015). Collection method: clinical testing. Allele origin: germline.
Comment: This sequence change replaces leucine, which is neutral and non-polar, with isoleucine, which is neutral and non-polar, at codon 122 of the SPATA7 protein (p.Leu122Ile). This variant is present in population databases (rs202230167, gnomAD 0.05%). This variant has not been reported in the literature in individuals affected with SPATA7-related conditions. ClinVar contains an entry for this variant (Variation ID: 197835). Advanced modeling of protein sequence and biophysical properties (such as structural, functional, and spatial information, amino acid conservation, physicochemical variation, residue mobility, and thermodynamic stability) performed at Invitae indicates that this missense variant is not expected to disrupt SPATA7 protein function with a negative predictive value of 80%. In summary, the available evidence is currently insufficient to determine the role of this variant in disease. Therefore, it has been classified as a Variant of Uncertain Significance.

Ambry Genetics
Classification: Uncertain significance for Inborn genetic diseases. Last evaluated: 2021-07-14. Review status: criteria provided, single submitter. Criteria: Ambry Variant Classification Scheme 2023. Collection method: clinical testing. Allele origin: germline.

Illumina Laboratory Services, Illumina
Classification: Uncertain significance for Retinitis pigmentosa. Last evaluated: 2018-01-13. Review status: criteria provided, single submitter. Criteria: ICSL Variant Classification Criteria 13 December 2019. Collection method: clinical testing. Allele origin: germline.

Illumina Laboratory Services, Illumina
Classification: Uncertain significance for Leber congenital amaurosis 3. Last evaluated: 2018-01-13. Review status: criteria provided, single submitter. Criteria: ICSL Variant Classification Criteria 13 December 2019. Collection method: clinical testing. Allele origin: germline.

Eurofins Ntd Llc (ga)
Classification: Uncertain significance. Last evaluated: 2014-12-17. Review status: criteria provided, single submitter. Criteria: EGL Classification Definitions 2015. Collection method: clinical testing. Allele origin: germline. Observed: 1 variant allele, 1 heterozygote.